The following is an entry in ClinVar:

NM_000489.6(ATRX):c.615G>A (p.Met205Ile)

Gene: ATRX (ATRX chromatin remodeler; minus strand). Cytogenetic location: Xq21.1.
Variant type: single nucleotide variant.
Coding change: c.615G>A on transcript NM_000489.6 (MANE Select); coding-DNA position 615, G replaced by A.
Protein change: p.Met205Ile; replaces methionine 205 with isoleucine.
Molecular consequence: missense variant.
Genome position (GRCh38, 1-based): chrX:77,684,986, C>T on the plus strand (G>A on the coding strand, the complement: ATRX is on the minus strand). VCF-style: chrX-77684986-C-T. GRCh37 (hg19) VCF-style: chrX-76940478-C-T.
Other names: c.501G>A, p.Met167Ile (NM_138270.5); short protein forms M167I, M205I.
Identifiers: ClinVar variation 3377963 (VCV003377963.1).

ClinVar aggregate classification (germline): Uncertain significance (1 of 4 stars; one submission).

Submission:

GeneDx
Classification: Uncertain significance. Last evaluated: 2024-05-17. Review status: criteria provided, single submitter. Criteria: GeneDx Variant Classification Process June 2021. Collection method: clinical testing. Allele origin: germline. Affected: yes.
Comment: Not observed at significant frequency in large population cohorts (gnomAD); In silico analysis indicates that this missense variant does not alter protein structure/function; Has not been previously published as pathogenic or benign to our knowledge; This variant is associated with the following publications: (PMID: 18409179)